The following is an entry in ClinVar:

NM_001370100.5(ZMYND11):c.918C>T (p.Val306=)

Gene: ZMYND11 (zinc finger MYND-type containing 11; plus strand). Cytogenetic location: 10p15.3.
Variant type: single nucleotide variant.
Coding change: c.918C>T on transcript NM_001370100.5 (MANE Select); coding-DNA position 918, C replaced by T.
Protein change: p.Val306=; no amino-acid change (valine 306 retained).
Molecular consequence: synonymous variant. On other transcripts: non-coding transcript variant (1).
Genome position (GRCh38, 1-based): chr10:242,107, C>T. VCF-style: chr10-242107-C-T. GRCh37 (hg19) VCF-style: chr10-288047-C-T.
Other names: c.918C>T, p.Val306= (NM_001161482.1, NM_001202468.1, NM_001370097.3 and 6 more transcripts); c.756C>T, p.Val252= (NM_001202464.3, NM_001202467.1, NM_001370103.2 and 6 more transcripts); c.663C>T, p.Val221= (NM_001202465.3, NM_001370110.2); c.753C>T, p.Val251= (NM_001202466.3, NM_001370111.2); c.867C>T, p.Val289= (NM_001330057.3, NM_001370112.2); c.825C>T, p.Val275= (NM_001370113.2, NM_001370114.2); c.915C>T, p.Val305= (NM_001370115.2, NM_212479.4); c.852C>T, p.Val284= (NM_001370116.2); and 7 more.
Identifiers: ClinVar variation 2172969 (VCV002172969.11), dbSNP rs528355836, ClinGen allele CA5379111.

ClinVar aggregate classification (germline): Likely benign. Review status: criteria provided, multiple submitters, no conflicts (2 of 4 stars). 2 submissions from 2 submitters: Likely benign (2). Last evaluated 2026-01-26.

Allele frequency attached by ClinVar (database versions not stated): gnomAD exomes 0.00001; ExAC 0.00004; gnomAD 0.00005; TOPMed 0.00005; 1000 Genomes Project 30x 0.00016; 1000 Genomes Project 0.00020.
gnomAD v4.1: 29 of 1,613,844 alleles (0.0018%); highest among the groups gnomAD compares: Admixed American, 0.017%; no homozygotes.

Submissions (2):

Labcorp Genetics (formerly Invitae), Labcorp
Classification: Likely benign. Last evaluated: 2026-01-26. Review status: criteria provided, single submitter. Criteria: Invitae Variant Classification Sherloc (09022015). Collection method: clinical testing. Allele origin: germline.

CeGaT Center for Human Genetics Tuebingen
Classification: Likely benign. Last evaluated: 2025-09-01. Review status: criteria provided, single submitter. Criteria: CeGaT Center For Human Genetics Tuebingen Variant Classification Criteria Version 2. Collection method: clinical testing. Allele origin: germline. Affected: yes. Observed: 1 variant allele.
Comment: ZMYND11: BP4, BP7